The following is an entry in ClinVar:

ClinVar aggregate classification (germline): Benign/Likely benign. Review status: criteria provided, multiple submitters, no conflicts (2 of 4 stars). 2 submissions from 2 submitters: Benign (1); Likely benign (1). Last evaluated 2024-07-18.

Conditions:
Familial cancer of breast. Also called: Hereditary breast cancer; hereditary breast carcinoma; BREAST CANCER, FAMILIAL. Identifiers: Orphanet 227535, MedGen C0346153, MONDO:0016419, OMIM 114480. Disease mechanism: loss of function.

Submissions (2):

Myriad Genetics, Inc.
Classification: Benign for Familial cancer of breast. Last evaluated: 2024-07-18. Review status: criteria provided, single submitter. Criteria: Myriad Autosomal Dominant, Autosomal Recessive and X-Linked Classification Criteria (2023). Collection method: clinical testing. Allele origin: unknown.
Comment: This variant is considered benign. This variant is a silent/synonymous amino acid change and it is not expected to impact splicing.

Labcorp Genetics (formerly Invitae), Labcorp
Classification: Likely benign for Familial cancer of breast. Last evaluated: 2021-08-04. Review status: criteria provided, single submitter. Criteria: Invitae Variant Classification Sherloc (09022015). Collection method: clinical testing. Allele origin: germline.

NM_000465.4(BARD1):c.189A>G (p.Leu63=)

Gene: BARD1 (BRCA1 associated RING domain 1; minus strand). Cytogenetic location: 2q35.
Variant type: single nucleotide variant.
Coding change: c.189A>G on transcript NM_000465.4 (MANE Select); coding-DNA position 189, A replaced by G.
Protein change: p.Leu63=; no amino-acid change (leucine 63 retained).
Molecular consequence: synonymous variant. On other transcripts: non-coding transcript variant (2), intron variant (2).
Genome position (GRCh38, 1-based): chr2:214,797,087, T>C on the plus strand (A>G on the coding strand, the complement: BARD1 is on the minus strand). VCF-style: chr2-214797087-T-C. GRCh37 (hg19) VCF-style: chr2-215661811-T-C.
Other names: c.189A>G, p.Leu63= (NM_001282545.2, NM_001282549.2); c.158+12325A>G (NM_001282548.2); c.159-4642A>G (NM_001282543.2).
Identifiers: ClinVar variation 1142734 (VCV001142734.11), dbSNP rs2106145609, ClinGen allele CA431144745.